The following is an entry in ClinVar:

NM_000035.4(ALDOB):c.331C>T (p.Gln111Ter)

Gene: ALDOB (aldolase, fructose-bisphosphate B; minus strand). Cytogenetic location: 9q31.1.
Variant type: single nucleotide variant.
Coding change: c.331C>T on transcript NM_000035.4 (MANE Select); coding-DNA position 331, C replaced by T.
Protein change: p.Gln111Ter; replaces glutamine 111 with a stop codon.
Molecular consequence: nonsense.
Genome position (GRCh38, 1-based): chr9:101,428,517, G>A on the plus strand (C>T on the coding strand, the complement: ALDOB is on the minus strand). VCF-style: chr9-101428517-G-A. GRCh37 (hg19) VCF-style: chr9-104190799-G-A.
Other names: short protein forms Q111*.
Identifiers: ClinVar variation 1065849 (VCV001065849.12), dbSNP rs528914024, ClinGen allele CA196957692.
Genomic context (GRCh38, chr9:101,428,517, plus strand): 5'-CAATATCCTTACCTTGAATGGTGGTTTCTTTGTTTGTTCCTGCAAGAGGAGCACCTCCTT[G>A]GTCTAACTGTGGATACAAATAATTAACAGGTGTCAGATGTCAGGAAAACACAAGCAGAAC-3'

ClinVar aggregate classification (germline): Pathogenic. Review status: criteria provided, multiple submitters, no conflicts (2 of 4 stars). 4 submissions from 4 submitters: Pathogenic (3). 1 of the submissions does not count toward it. Last evaluated 2023-10-05.

Conditions:
Hereditary fructosuria. Also called: ALDOB DEFICIENCY; ALDOLASE B DEFICIENCY; FRUCTOSE-1,6-BISPHOSPHATE ALDOLASE B DEFICIENCY; FRUCTOSE-1-PHOSPHATE ALDOLASE DEFICIENCY; FRUCTOSEMIA; Fructose intolerance. Identifiers: Orphanet 469, MedGen C0016751, MONDO:0009249, OMIM 229600, HP:0005973. Disease mechanism: loss of function.

Allele frequency attached by ClinVar (database versions not stated): gnomAD exomes below 0.00001; gnomAD 0.00001; 1000 Genomes Project 30x 0.00016; 1000 Genomes Project 0.00020.

Submissions (4):

Baylor Genetics
Classification: Pathogenic for Hereditary fructosuria. Last evaluated: 2023-10-05. Review status: criteria provided, single submitter. Criteria: ACMG Guidelines, 2015. Collection method: clinical testing. Allele origin: unknown.

Labcorp Genetics (formerly Invitae), Labcorp
Classification: Pathogenic for Hereditary fructosuria. Last evaluated: 2020-02-06. Review status: criteria provided, single submitter. Criteria: Invitae Variant Classification Sherloc (09022015). Collection method: clinical testing. Allele origin: germline.
Comment: This variant is not present in population databases (ExAC no frequency). This sequence change creates a premature translational stop signal (p.Gln111*) in the ALDOB gene. It is expected to result in an absent or disrupted protein product. This variant has been observed in individual(s) with hereditary fructose intolerance (PMID: 15532022). Loss-of-function variants in ALDOB are known to be pathogenic (PMID: 18541450). For these reasons, this variant has been classified as Pathogenic.

Juno Genomics, Hangzhou Juno Genomics, Inc
Classification: Pathogenic for Hereditary fructosuria. Review status: criteria provided, single submitter. Criteria: ACMG Guidelines, 2015. Collection method: clinical testing. Allele origin: germline.
Comment: Absent from controls (or at extremely low frequency if recessive) in Genome Aggregation Database.;Null variant in a gene where loss of function (LOF) is a known mechanism of disease.;For recessive disorders, detected in trans with a pathogenic variant.;Patient's phenotype or family history is highly specific for a disease with a single genetic etiology.

ATS em Genética Clínica, Universidade Federal do Rio Grande do Sul
Classification: Likely pathogenic for Hereditary fructosuria. Last evaluated: 2021-03-18. Review status: no assertion criteria provided. Collection method: literature only. Allele origin: unknown. Affected: yes. Not counted in ClinVar's aggregate classification.

Literature cited by the submitters: PubMed 15532022 (cited by Labcorp Genetics (formerly Invitae), Labcorp and ATS em Genética Clínica, Universidade Federal do Rio Grande do Sul); PubMed 18541450 (cited by Labcorp Genetics (formerly Invitae), Labcorp).